The following is an entry in ClinVar:

ClinVar aggregate classification (germline): Uncertain significance. Review status: criteria provided, multiple submitters, no conflicts (2 of 4 stars). 2 submissions from 2 submitters: Uncertain significance (2). Last evaluated 2023-02-22.

Conditions:
Cardiovascular phenotype. Identifiers: MedGen CN230736.

Allele frequency attached by ClinVar (database versions not stated): ExAC 0.00003; TOPMed 0.00003; gnomAD 0.00004; gnomAD exomes 0.00005.
gnomAD v4.1: 75 of 1,613,464 alleles (0.0046%); highest among the groups gnomAD compares: Non-Finnish European, 0.0055%; no homozygotes.

Submissions (2):

Ambry Genetics
Classification: Uncertain significance for Cardiovascular phenotype. Last evaluated: 2023-02-22. Review status: criteria provided, single submitter. Criteria: Ambry Variant Classification Scheme 2023. Collection method: clinical testing. Allele origin: germline.

GeneDx
Classification: Uncertain significance. Last evaluated: 2022-03-14. Review status: criteria provided, single submitter. Criteria: GeneDx Variant Classification Process June 2021. Collection method: clinical testing. Allele origin: germline. Affected: yes.
Comment: Has not been previously published as pathogenic or benign to our knowledge; Not observed at significant frequency in large population cohorts (gnomAD); In silico analysis supports that this missense variant has a deleterious effect on protein structure/function

NM_001365276.2(TNXB):c.7366C>T (p.Arg2456Cys)

Gene: TNXB (tenascin XB; minus strand). Cytogenetic location: 6p21.33.
Variant type: single nucleotide variant.
Coding change: c.7366C>T on transcript NM_001365276.2 (MANE Select); coding-DNA position 7366, C replaced by T.
Protein change: p.Arg2456Cys; replaces arginine 2456 with cysteine.
Molecular consequence: missense variant.
Genome position (GRCh38, 1-based): chr6:32,061,523, G>A on the plus strand (C>T on the coding strand, the complement: TNXB is on the minus strand). VCF-style: chr6-32061523-G-A. GRCh37 (hg19) VCF-style: chr6-32029300-G-A.
Other names: c.7366C>T, p.Arg2456Cys (NM_019105.8); short protein forms R2456C.
Identifiers: ClinVar variation 1706135 (VCV001706135.4), dbSNP rs780042565, ClinGen allele CA3734175.
Genomic context (GRCh38, chr6:32,061,523, plus strand): 5'-TGTATTTGCGCCCAGGCTCCAGGCCCCCCACGGTGACCTCGCTCTCCTCGCCCCCAACAC[G>A]CACCACCTGGGGCCGCCCGTCCCTGTCCTTGTACTGCACGGTGAAGGAGTCGAAGCGGCC-3'
Protein context (NP_001352205.1, residues 2446-2466): KDRDGRPQVV[Arg2456Cys]VGGEESEVTV